The following is an entry in ClinVar:

ClinVar aggregate classification (germline): Uncertain significance. Review status: criteria provided, multiple submitters, no conflicts (2 of 4 stars). 2 submissions from 2 submitters: Uncertain significance (2). Last evaluated 2025-09-08.

Allele frequency attached by ClinVar (database versions not stated): gnomAD exomes 0.00001 and 0.00003; gnomAD 0.00003; TOPMed 0.00003.
gnomAD v4.1: 22 of 1,602,566 alleles (0.0014%); highest among the groups gnomAD compares: Admixed American, 0.019%; no homozygotes.

Submissions (2):

Labcorp Genetics (formerly Invitae), Labcorp
Classification: Uncertain significance. Last evaluated: 2025-09-08. Review status: criteria provided, single submitter. Criteria: Invitae Variant Classification Sherloc (09022015). Collection method: clinical testing. Allele origin: germline.
Comment: This sequence change replaces arginine, which is basic and polar, with histidine, which is basic and polar, at codon 466 of the PLEKHM2 protein (p.Arg466His). This variant is present in population databases (no rsID available, gnomAD 0.02%). This variant has not been reported in the literature in individuals affected with PLEKHM2-related conditions. ClinVar contains an entry for this variant (Variation ID: 1045569). An algorithm developed to predict the effect of missense changes on protein structure and function (PolyPhen-2) suggests that this variant is likely to be disruptive. In summary, the available evidence is currently insufficient to determine the role of this variant in disease. Therefore, it has been classified as a Variant of Uncertain Significance.

Ambry Genetics
Classification: Uncertain significance. Last evaluated: 2023-04-05. Review status: criteria provided, single submitter. Criteria: Ambry Variant Classification Scheme 2023. Collection method: clinical testing. Allele origin: germline.

NM_015164.4(PLEKHM2):c.1397G>A (p.Arg466His)

Gene: PLEKHM2 (pleckstrin homology and RUN domain containing M2; plus strand). Cytogenetic location: 1p36.21.
Variant type: single nucleotide variant.
Coding change: c.1397G>A on transcript NM_015164.4 (MANE Select); coding-DNA position 1397, G replaced by A.
Protein change: p.Arg466His; replaces arginine 466 with histidine.
Molecular consequence: missense variant.
Genome position (GRCh38, 1-based): chr1:15,727,469, G>A. VCF-style: chr1-15727469-G-A. GRCh37 (hg19) VCF-style: chr1-16053964-G-A.
Other names: c.1397G>A (NM_015164.2); short protein forms R466H.
Identifiers: ClinVar variation 1045569 (VCV001045569.10), dbSNP rs1414192320, ClinGen allele CA338587073.